The following is an entry in ClinVar:

NM_000059.4(BRCA2):c.631G>T (p.Val211Phe)

Gene: BRCA2 (BRCA2 DNA repair associated; plus strand). Cytogenetic location: 13q13.1.
Variant type: single nucleotide variant.
Coding change: c.631G>T on transcript NM_000059.4 (MANE Select); coding-DNA position 631, G replaced by T.
Protein change: p.Val211Phe; replaces valine 211 with phenylalanine.
Molecular consequence: missense variant. On other transcripts: non-coding transcript variant (1).
Genome position (GRCh38, 1-based): chr13:32,326,613, G>T. VCF-style: chr13-32326613-G-T. GRCh37 (hg19) VCF-style: chr13-32900750-G-T.
Other names: c.631G>T, p.Val211Phe (NM_001406719.1, NM_001406720.1, NM_001406721.1 and 1 more transcripts); c.262G>T, p.Val88Phe (NM_001406722.1); short protein forms V211F, V88F.
Identifiers: ClinVar variation 3645263 (VCV003645263.2).

ClinVar aggregate classification (germline): Uncertain significance (1 of 4 stars; one submission).

Conditions:
Hereditary breast ovarian cancer syndrome. Also called: Hereditary breast and ovarian cancer syndrome (HBOC); Hereditary breast and ovarian cancer; BRCA1- and BRCA2-Associated Hereditary Breast and Ovarian Cancer; Hereditary breast and ovarian cancer syndrome; Hereditary breast and/or ovarian cancer syndrome; Breast and ovarian cancer. Identifiers: Orphanet 145, MedGen C0677776, MeSH D061325, MONDO:0003582. Disease mechanism: loss of function.

Submission:

Labcorp Genetics (formerly Invitae), Labcorp
Classification: Uncertain significance for Hereditary breast ovarian cancer syndrome. Last evaluated: 2024-03-10. Review status: criteria provided, single submitter. Criteria: Invitae Variant Classification Sherloc (09022015). Collection method: clinical testing. Allele origin: germline.
Comment: This sequence change replaces valine, which is neutral and non-polar, with phenylalanine, which is neutral and non-polar, at codon 211 of the BRCA2 protein (p.Val211Phe). This variant also falls at the last nucleotide of exon 7, which is part of the consensus splice site for this exon. This variant is not present in population databases (gnomAD no frequency). This variant has not been reported in the literature in individuals affected with BRCA2-related conditions. An algorithm developed to predict the effect of missense changes on protein structure and function (PolyPhen-2) suggests that this variant is likely to be disruptive. Variants that disrupt the consensus splice site are a relatively common cause of aberrant splicing (PMID: 17576681, 9536098). Algorithms developed to predict the effect of sequence changes on RNA splicing suggest that this variant may disrupt the consensus splice site. This variant disrupts the c.631G nucleotide in the BRCA2 gene. Other variant(s) that disrupt this nucleotide have been determined to be pathogenic (PMID: 19179552, 22962691, 23451180; Invitae). This suggests that this nucleotide is clinically significant, and that variants that disrupt this position are likely to be disease-causing. In summary, the available evidence is currently insufficient to determine the role of this variant in disease. Therefore, it has been classified as a Variant of Uncertain Significance.

Literature cited by the submitters: PubMed 17576681; PubMed 9536098; PubMed 19179552; PubMed 22962691; PubMed 23451180.